The following is an entry in ClinVar:

NM_017635.5(KMT5B):c.620A>C (p.Gln207Pro)

Gene: KMT5B (lysine methyltransferase 5B; minus strand). Cytogenetic location: 11q13.2.
Variant type: single nucleotide variant.
Coding change: c.620A>C on transcript NM_017635.5 (MANE Select); coding-DNA position 620, A replaced by C.
Protein change: p.Gln207Pro; replaces glutamine 207 with proline.
Molecular consequence: missense variant. On other transcripts: 5 prime UTR variant (1), non-coding transcript variant (3).
Genome position (GRCh38, 1-based): chr11:68,173,837, T>G on the plus strand (A>C on the coding strand, the complement: KMT5B is on the minus strand). VCF-style: chr11-68173837-T-G. GRCh37 (hg19) VCF-style: chr11-67941304-T-G.
Other names: c.104A>C, p.Gln35Pro (NM_001300907.1, NM_001369424.1, NM_001369428.1 and 5 more transcripts); c.-48A>C (NM_001300908.2); c.551A>C, p.Gln184Pro (NM_001300909.2); c.620A>C, p.Gln207Pro (NM_001363566.2, NM_001369426.1, NM_001369427.1 and 1 more transcripts); c.407A>C, p.Gln136Pro (NM_001369425.1); short protein forms Q136P, Q184P, Q207P, Q35P.
Identifiers: ClinVar variation 1695462 (VCV001695462.3), dbSNP rs2153054637, ClinGen allele CA381605588.

ClinVar aggregate classification (germline): Uncertain significance (1 of 4 stars; one submission).

Submission:

GeneDx
Classification: Uncertain significance. Last evaluated: 2025-10-15. Review status: criteria provided, single submitter. Criteria: GeneDx Variant Classification Process June 2021. Collection method: clinical testing. Allele origin: germline. Affected: yes.
Comment: Not observed at significant frequency in large population cohorts (gnomAD); In silico analysis supports that this missense variant has a deleterious effect on protein structure/function; Has not been previously published as pathogenic or benign to our knowledge